The following is an entry in ClinVar:

ClinVar aggregate classification (germline): Benign/Likely benign. Review status: criteria provided, multiple submitters, no conflicts (2 of 4 stars). 4 submissions from 4 submitters: Benign (1); Likely benign (3). Last evaluated 2025-12-16.

Conditions:
Hereditary cancer-predisposing syndrome. Also called: Hereditary Cancer Syndrome; Neoplastic Syndromes, Hereditary; Hereditary neoplastic syndrome; Tumor predisposition. Identifiers: Orphanet 140162, MedGen C0027672, MeSH D009386, MONDO:0015356.
Multiple endocrine neoplasia type 2A. Also called: Multiple Endocrine Neoplasia Type 2A (MEN2A); MULTIPLE ENDOCRINE NEOPLASIA, TYPE IIA; PTC SYNDROME; SIPPLE SYNDROME; MEN 2A; MEN-2A syndrome. Identifiers: Orphanet 247698, Orphanet 653, MedGen C0025268, MeSH D018813, MONDO:0008234, OMIM 171400.
Multiple endocrine neoplasia, type 2 (MEN2). Identifiers: Orphanet 653, MedGen C4048306, MONDO:0019003. Disease mechanism: gain of function.

Allele frequency attached by ClinVar (database versions not stated): gnomAD exomes below 0.00001; TOPMed 0.00002; gnomAD 0.00003.
gnomAD v4.1: 7 of 1,613,274 alleles (0.00043%); highest among the groups gnomAD compares: African/African-American, 0.0013%; no homozygotes.

Submissions (4):

Labcorp Genetics (formerly Invitae), Labcorp
Classification: Likely benign for Multiple endocrine neoplasia, type 2. Last evaluated: 2025-12-16. Review status: criteria provided, single submitter. Criteria: Invitae Variant Classification Sherloc (09022015). Collection method: clinical testing. Allele origin: germline.

Color Diagnostics, LLC DBA Color Health
Classification: Likely benign for Multiple endocrine neoplasia, type 2. Last evaluated: 2025-07-28. Review status: criteria provided, single submitter. Criteria: ACMG Guidelines, 2015. Collection method: clinical testing. Allele origin: germline.

Myriad Genetics, Inc.
Classification: Benign for Multiple endocrine neoplasia type 2A. Last evaluated: 2025-02-27. Review status: criteria provided, single submitter. Criteria: Myriad Autosomal Dominant, Autosomal Recessive and X-Linked Classification Criteria (2023). Collection method: clinical testing. Allele origin: unknown.
Comment: This variant is considered benign. This variant is a silent/synonymous amino acid change and it is not expected to impact splicing.

Ambry Genetics
Classification: Likely benign for Hereditary cancer-predisposing syndrome. Last evaluated: 2015-10-16. Review status: criteria provided, single submitter. Criteria: Ambry Variant Classification Scheme 2023. Collection method: clinical testing. Allele origin: germline.

NM_020975.6(RET):c.2589G>A (p.Gln863=)

Gene: RET (ret proto-oncogene; plus strand). Cytogenetic location: 10q11.21.
Variant type: single nucleotide variant.
Coding change: c.2589G>A on transcript NM_020975.6 (MANE Select); coding-DNA position 2589, G replaced by A.
Protein change: p.Gln863=; no amino-acid change (glutamine 863 retained).
Molecular consequence: synonymous variant.
Genome position (GRCh38, 1-based): chr10:43,119,727, G>A. VCF-style: chr10-43119727-G-A. GRCh37 (hg19) VCF-style: chr10-43615175-G-A.
Other names: c.2589G>A, p.Gln863= (NM_001406743.1, NM_001406744.1, NM_001406759.1 and 4 more transcripts); c.1827G>A, p.Gln609= (NM_001355216.2); c.2460G>A, p.Gln820= (NM_001406761.1, NM_001406762.1, NM_001406764.1); c.2454G>A, p.Gln818= (NM_001406763.1, NM_001406765.1); c.2301G>A, p.Gln767= (NM_001406766.1, NM_001406767.1, NM_001406770.1); c.2325G>A, p.Gln775= (NM_001406768.1); c.2193G>A, p.Gln731= (NM_001406769.1, NM_001406772.1); c.2151G>A, p.Gln717= (NM_001406771.1, NM_001406773.1); and 10 more.
Identifiers: ClinVar variation 699650 (VCV000699650.17), dbSNP rs985686811, ClinGen allele CA206266642.